The following is an entry in ClinVar:

NM_177438.3(DICER1):c.3825G>T (p.Met1275Ile)

Gene: DICER1 (dicer 1, ribonuclease III; minus strand). Cytogenetic location: 14q32.13.
Variant type: single nucleotide variant.
Coding change: c.3825G>T on transcript NM_177438.3 (MANE Select); coding-DNA position 3825, G replaced by T.
Protein change: p.Met1275Ile; replaces methionine 1275 with isoleucine.
Molecular consequence: missense variant.
Genome position (GRCh38, 1-based): chr14:95,103,571, C>A on the plus strand (G>T on the coding strand, the complement: DICER1 is on the minus strand). VCF-style: chr14-95103571-C-A. GRCh37 (hg19) VCF-style: chr14-95569908-C-A.
Other names: c.3825G>T, p.Met1275Ile (NM_001195573.1, NM_001271282.3, NM_001291628.2 and 1 more transcripts); short protein forms M1275I.
Identifiers: ClinVar variation 824263 (VCV000824263.4), dbSNP rs778033280, ClinGen allele CA7330982.

ClinVar aggregate classification (germline): Uncertain significance (1 of 4 stars; one submission).

Conditions:
Hereditary cancer-predisposing syndrome. Also called: Neoplastic Syndromes, Hereditary; Tumor predisposition; Hereditary neoplastic syndrome; Hereditary Cancer Syndrome. Identifiers: Orphanet 140162, MedGen C0027672, MeSH D009386, MONDO:0015356.

Allele frequency attached by ClinVar (database versions not stated): gnomAD exomes below 0.00001; ExAC 0.00001.

Submission:

Ambry Genetics
Classification: Uncertain significance for Hereditary cancer-predisposing syndrome. Last evaluated: 2019-12-20. Review status: criteria provided, single submitter. Criteria: Ambry Variant Classification Scheme 2023. Collection method: clinical testing. Allele origin: germline.
Comment: The p.M1275I variant (also known as c.3825G>T), located in coding exon 20 of the DICER1 gene, results from a G to T substitution at nucleotide position 3825. The methionine at codon 1275 is replaced by isoleucine, an amino acid with highly similar properties. This amino acid position is poorly conserved in available vertebrate species. In addition, this alteration is predicted to be tolerated by in silico analysis. Since supporting evidence is limited at this time, the clinical significance of this alteration remains unclear.